The following is an entry in ClinVar:

NM_000179.3(MSH6):c.2486G>A (p.Gly829Glu)

Gene: MSH6 (mutS homolog 6; plus strand). Cytogenetic location: 2p16.3.
Variant type: single nucleotide variant.
Coding change: c.2486G>A on transcript NM_000179.3 (MANE Select); coding-DNA position 2486, G replaced by A.
Protein change: p.Gly829Glu; replaces glycine 829 with glutamic acid.
Molecular consequence: missense variant. On other transcripts: non-coding transcript variant (5), intron variant (3).
Genome position (GRCh38, 1-based): chr2:47,800,469, G>A. VCF-style: chr2-47800469-G-A. GRCh37 (hg19) VCF-style: chr2-48027608-G-A.
Other names: c.2096G>A, p.Gly699Glu (NM_001281492.2); c.1580G>A, p.Gly527Glu (NM_001281493.2, NM_001281494.2, NM_001406811.1 and 6 more transcripts); c.2582G>A, p.Gly861Glu (NM_001406795.1, NM_001406802.1); c.2486G>A, p.Gly829Glu (NM_001406796.1, NM_001406798.1, NM_001406800.1 and 2 more transcripts); c.2189G>A, p.Gly730Glu (NM_001406797.1, NM_001406801.1, NM_001406805.1 and 10 more transcripts); c.1961G>A, p.Gly654Glu (NM_001406799.1, NM_001406806.1, NM_001406807.1); c.2408G>A, p.Gly803Glu (NM_001406804.1); c.2492G>A, p.Gly831Glu (NM_001406813.1); and 4 more; short protein forms G527E, G861E, G654E, G699E, G829E, G730E, G773E, G803E.
Identifiers: ClinVar variation 3296334 (VCV003296334.1).

ClinVar aggregate classification (germline): Uncertain significance (1 of 4 stars; one submission).

Conditions:
Hereditary cancer-predisposing syndrome. Also called: Tumor predisposition; Hereditary Cancer Syndrome; Hereditary neoplastic syndrome; Neoplastic Syndromes, Hereditary. Identifiers: Orphanet 140162, MedGen C0027672, MeSH D009386, MONDO:0015356.

Submission:

Ambry Genetics
Classification: Uncertain significance for Hereditary cancer-predisposing syndrome. Last evaluated: 2024-04-23. Review status: criteria provided, single submitter. Criteria: Ambry Variant Classification Scheme 2023. Collection method: clinical testing. Allele origin: germline.
Comment: The p.G829E variant (also known as c.2486G>A), located in coding exon 4 of the MSH6 gene, results from a G to A substitution at nucleotide position 2486. The glycine at codon 829 is replaced by glutamic acid, an amino acid with similar properties. This amino acid position is conserved. In addition, this alteration is predicted to be deleterious by in silico analysis. Based on the available evidence, the clinical significance of this variant remains unclear.